The following is an entry in ClinVar:

ClinVar aggregate classification (germline): Uncertain significance (1 of 4 stars; one submission).

Conditions:
Fabry disease. Also called: ALPHA-GALACTOSIDASE A DEFICIENCY; ANDERSON-FABRY DISEASE; CERAMIDE TRIHEXOSIDASE DEFICIENCY; GLA DEFICIENCY; HEREDITARY DYSTOPIC LIPIDOSIS; Fabry's disease. Identifiers: Orphanet 324, MedGen C0002986, MONDO:0010526, OMIM 301500, HP:0001071. Disease mechanism: loss of function, Fabry disease is due to inactivating mutations in the X-linked GLA gene resulting in deficiency of the enzyme Alpha Galactosidase-A..

Submission:

Color Diagnostics, LLC DBA Color Health
Classification: Uncertain significance for Fabry disease. Last evaluated: 2025-12-11. Review status: criteria provided, single submitter. Criteria: ACMG Guidelines, 2015. Collection method: clinical testing. Allele origin: germline.
Comment: This missense variant replaces serine with glycine at codon 176 of the GLA protein. Computational prediction suggests that this variant may not impact protein structure and function. To our knowledge, functional studies have not been reported for this variant. This variant has not been reported in individuals affected with GLA-related disorders in the literature. This variant has not been identified in the general population by the Genome Aggregation Database (gnomAD). The available evidence is insufficient to determine the role of this variant in disease conclusively. Therefore, this variant is classified as a Variant of Uncertain Significance.

NM_000169.3(GLA):c.526A>G (p.Ser176Gly)

Genes: GLA (galactosidase alpha; minus strand), RPL36A-HNRNPH2 (RPL36A-HNRNPH2 readthrough; plus strand). Cytogenetic location: Xq22.1.
Variant type: single nucleotide variant.
Coding change: c.526A>G on transcript NM_000169.3 (MANE Select); coding-DNA position 526, A replaced by G.
Protein change: p.Ser176Gly; replaces serine 176 with glycine.
Molecular consequence: missense variant. On other transcripts: non-coding transcript variant (3), intron variant (2).
Genome position (GRCh38, 1-based): chrX:101,401,653, T>C on the plus strand (A>G on the coding strand, the complement: GLA is on the minus strand). VCF-style: chrX-101401653-T-C. GRCh37 (hg19) VCF-style: chrX-100656641-T-C.
Other names: c.649A>G, p.Ser217Gly (NM_001406747.1, NM_001406749.1); c.526A>G, p.Ser176Gly (NM_001406748.1); c.300+6196T>C (NM_001199973.2); c.177+9831T>C (NM_001199974.2); short protein forms S176G, S217G.
Identifiers: ClinVar variation 920472 (VCV000920472.6), dbSNP rs1928317749, ClinGen allele CA413928707.